The following is an entry in ClinVar:

ClinVar aggregate classification (germline): Uncertain significance (1 of 4 stars; one submission).

Conditions:
Hereditary cancer-predisposing syndrome. Also called: Hereditary Cancer Syndrome; Hereditary neoplastic syndrome; Neoplastic Syndromes, Hereditary; Tumor predisposition. Identifiers: Orphanet 140162, MedGen C0027672, MeSH D009386, MONDO:0015356.

Submission:

Ambry Genetics
Classification: Uncertain significance for Hereditary cancer-predisposing syndrome. Last evaluated: 2021-12-11. Review status: criteria provided, single submitter. Criteria: Ambry Variant Classification Scheme 2023. Collection method: clinical testing. Allele origin: germline.
Comment: The p.N5H variant (also known as c.13A>C), located in coding exon 1 of the HOXB13 gene, results from an A to C substitution at nucleotide position 13. The asparagine at codon 5 is replaced by histidine, an amino acid with similar properties. This amino acid position is conserved. In addition, this alteration is predicted to be tolerated by in silico analysis. Since supporting evidence is limited at this time, the clinical significance of this alteration remains unclear.

NM_006361.6(HOXB13):c.13A>C (p.Asn5His)

Gene: HOXB13 (homeobox B13; minus strand). Cytogenetic location: 17q21.32.
Variant type: single nucleotide variant.
Coding change: c.13A>C on transcript NM_006361.6 (MANE Select); coding-DNA position 13, A replaced by C.
Protein change: p.Asn5His; replaces asparagine 5 with histidine.
Molecular consequence: missense variant.
Genome position (GRCh38, 1-based): chr17:48,728,581, T>G on the plus strand (A>C on the coding strand, the complement: HOXB13 is on the minus strand). VCF-style: chr17-48728581-T-G. GRCh37 (hg19) VCF-style: chr17-46805943-T-G.
Other names: short protein forms N5H.
Identifiers: ClinVar variation 1771749 (VCV001771749.2), dbSNP rs1404578364, ClinGen allele CA400109978.